The following is an entry in ClinVar:

ClinVar aggregate classification (germline): Uncertain significance (1 of 4 stars; one submission).

Allele frequency attached by ClinVar (database versions not stated): TOPMed 0.00001.
gnomAD v4.1: 4 of 1,614,010 alleles (0.00025%); highest among the groups gnomAD compares: Non-Finnish European, 0.00034%; no homozygotes.

Submission:

Labcorp Genetics (formerly Invitae), Labcorp
Classification: Uncertain significance. Last evaluated: 2022-06-24. Review status: criteria provided, single submitter. Criteria: Invitae Variant Classification Sherloc (09022015). Collection method: clinical testing. Allele origin: germline.
Comment: This sequence change replaces glycine, which is neutral and non-polar, with arginine, which is basic and polar, at codon 576 of the SBF1 protein (p.Gly576Arg). This variant is not present in population databases (gnomAD no frequency). This variant has not been reported in the literature in individuals affected with SBF1-related conditions. Algorithms developed to predict the effect of missense changes on protein structure and function are either unavailable or do not agree on the potential impact of this missense change (SIFT: "Deleterious"; PolyPhen-2: "Benign"; Align-GVGD: "Class C0"). In summary, the available evidence is currently insufficient to determine the role of this variant in disease. Therefore, it has been classified as a Variant of Uncertain Significance.

NM_002972.4(SBF1):c.1726G>A (p.Gly576Arg)

Gene: SBF1 (SET binding factor 1; minus strand). Cytogenetic location: 22q13.33.
Variant type: single nucleotide variant.
Coding change: c.1726G>A on transcript NM_002972.4 (MANE Select); coding-DNA position 1726, G replaced by A.
Protein change: p.Gly576Arg; replaces glycine 576 with arginine.
Molecular consequence: missense variant.
Genome position (GRCh38, 1-based): chr22:50,464,352, C>T on the plus strand (G>A on the coding strand, the complement: SBF1 is on the minus strand). VCF-style: chr22-50464352-C-T. GRCh37 (hg19) VCF-style: chr22-50902781-C-T.
Other names: c.1729G>A, p.Gly577Arg (NM_001365819.1, NM_001410794.1); c.1726G>A, p.Gly576Arg (NM_001410795.1, NM_197971.1); short protein forms G576R, G577R.
Identifiers: ClinVar variation 1929903 (VCV001929903.2), dbSNP rs2067654885, ClinGen allele CA412217119.